The following is an entry in ClinVar:

NM_000252.3(MTM1):c.1049T>C (p.Ile350Thr)

Gene: MTM1 (myotubularin 1; plus strand). Cytogenetic location: Xq28.
Variant type: single nucleotide variant.
Coding change: c.1049T>C on transcript NM_000252.3 (MANE Select); coding-DNA position 1049, T replaced by C.
Protein change: p.Ile350Thr; replaces isoleucine 350 with threonine.
Molecular consequence: missense variant.
Genome position (GRCh38, 1-based): chrX:150,649,897, T>C. VCF-style: chrX-150649897-T-C. GRCh37 (hg19) VCF-style: chrX-149818370-T-C.
Other names: c.1049T>C, p.Ile350Thr (NM_001376906.1, NM_001376908.1); c.938T>C, p.Ile313Thr (NM_001376907.1); short protein forms I313T, I350T.
Identifiers: ClinVar variation 2990655 (VCV002990655.4), dbSNP rs1414733649, ClinGen allele CA415257399.

ClinVar aggregate classification (germline): Uncertain significance. Review status: criteria provided, multiple submitters, no conflicts (2 of 4 stars). 2 submissions from 2 submitters: Uncertain significance (2). Last evaluated 2026-05-26.

Conditions:
Inborn genetic diseases. Identifiers: MedGen C0950123, MeSH D030342.
Severe X-linked myotubular myopathy (CNMX). Also called: X-linked centronuclear myopathy; MYOTUBULAR MYOPATHY 1; Myotubular myopathy, X-linked. Identifiers: Orphanet 596, MedGen C0410203, MONDO:0010683, OMIM 310400.

Allele frequency attached by ClinVar (database versions not stated): TOPMed below 0.00001; gnomAD 0.00003; gnomAD exomes below 0.00001.
gnomAD v4.1: 5 of 1,194,209 alleles (0.00042%); highest among the groups gnomAD compares: South Asian, 0.0055%; no homozygotes.

Submissions (2):

Ambry Genetics
Classification: Uncertain significance for Inborn genetic diseases. Last evaluated: 2026-05-26. Review status: criteria provided, single submitter. Criteria: Ambry Variant Classification Scheme 2023. Collection method: clinical testing. Allele origin: germline.

Labcorp Genetics (formerly Invitae), Labcorp
Classification: Uncertain significance for Severe X-linked myotubular myopathy. Last evaluated: 2023-09-25. Review status: criteria provided, single submitter. Criteria: Invitae Variant Classification Sherloc (09022015). Collection method: clinical testing. Allele origin: germline.
Comment: In summary, the available evidence is currently insufficient to determine the role of this variant in disease. Therefore, it has been classified as a Variant of Uncertain Significance. Advanced modeling of protein sequence and biophysical properties (such as structural, functional, and spatial information, amino acid conservation, physicochemical variation, residue mobility, and thermodynamic stability) has been performed at Invitae for this missense variant, however the output from this modeling did not meet the statistical confidence thresholds required to predict the impact of this variant on MTM1 protein function. This variant has not been reported in the literature in individuals affected with MTM1-related conditions. This variant is not present in population databases (gnomAD no frequency). This sequence change replaces isoleucine, which is neutral and non-polar, with threonine, which is neutral and polar, at codon 350 of the MTM1 protein (p.Ile350Thr).